The following is an entry in ClinVar:

NM_003072.5(SMARCA4):c.2730G>C (p.Thr910=)

Gene: SMARCA4 (SWI/SNF related BAF chromatin remodeling complex subunit ATPase 4; plus strand). Cytogenetic location: 19p13.2.
Variant type: single nucleotide variant.
Coding change: c.2730G>C on transcript NM_003072.5 (MANE Select); coding-DNA position 2730, G replaced by C.
Protein change: p.Thr910=; no amino-acid change (threonine 910 retained).
Molecular consequence: synonymous variant. On other transcripts: non-coding transcript variant (1).
Genome position (GRCh38, 1-based): chr19:11,021,838, G>C. VCF-style: chr19-11021838-G-C. GRCh37 (hg19) VCF-style: chr19-11132514-G-C.
Other names: c.2730G>C, p.Thr910= (NM_001128844.3, NM_001128845.2, NM_001128846.2 and 4 more transcripts).
Identifiers: ClinVar variation 729395 (VCV000729395.12), dbSNP rs200258214, ClinGen allele CA505743585.

ClinVar aggregate classification (germline): Likely benign. Review status: criteria provided, multiple submitters, no conflicts (2 of 4 stars). 3 submissions from 3 submitters: Likely benign (2). 1 of the submissions does not count toward it. Last evaluated 2025-01-06.

Conditions:
Rhabdoid tumor predisposition syndrome 2 (RTPS2). Identifiers: Orphanet 231108, Orphanet 69077, MedGen C2750074, MONDO:0013224, OMIM 613325.
Hereditary cancer-predisposing syndrome. Also called: Hereditary neoplastic syndrome; Tumor predisposition; Hereditary Cancer Syndrome; Neoplastic Syndromes, Hereditary. Identifiers: Orphanet 140162, MedGen C0027672, MeSH D009386, MONDO:0015356.
SMARCA4-related disorder. Also called: SMARCA4-related condition.

Submissions (3):

Labcorp Genetics (formerly Invitae), Labcorp
Classification: Likely benign for Rhabdoid tumor predisposition syndrome 2. Last evaluated: 2025-01-06. Review status: criteria provided, single submitter. Criteria: Invitae Variant Classification Sherloc (09022015). Collection method: clinical testing. Allele origin: germline.

Ambry Genetics
Classification: Likely benign for Hereditary cancer-predisposing syndrome. Last evaluated: 2024-02-05. Review status: criteria provided, single submitter. Criteria: Ambry Variant Classification Scheme 2023. Collection method: clinical testing. Allele origin: germline.

PreventionGenetics, part of Exact Sciences
Classification: Likely benign for SMARCA4-related condition. Last evaluated: 2024-08-07. Review status: no assertion criteria provided. Collection method: clinical testing. Allele origin: germline. Not counted in ClinVar's aggregate classification.
Comment: This variant is classified as likely benign based on ACMG/AMP sequence variant interpretation guidelines (Richards et al. 2015 PMID: 25741868, with internal and published modifications).